The following is an entry in ClinVar:

NM_004646.4(NPHS1):c.2664-4_2670del

Gene: NPHS1 (NPHS1 adhesion molecule, nephrin; minus strand). Cytogenetic location: 19q13.12.
Variant type: Deletion.
Coding change: c.2664-4_2670del on transcript NM_004646.4 (MANE Select); 4 bases into the intron before coding-DNA position 2664 through coding-DNA position 2670, 11 bases deleted (CTAGGTACACG).
Molecular consequence: splice acceptor variant.
Genome position (GRCh38, 1-based): chr19:35,841,860-35,841,870, CGTGTACCTAG deleted on the plus strand (CTAGGTACACG on the coding strand, the reverse complement: NPHS1 is on the minus strand). VCF-style (leftmost placement, unchanged base first): chr19-35841859-CCGTGTACCTAG-C. GRCh37 (hg19) VCF-style: chr19-36332761-CCGTGTACCTAG-C.
Identifiers: ClinVar variation 56485 (VCV000056485.2), dbSNP rs386833924, ClinGen allele CA250207.

ClinVar aggregate classification (germline): Likely pathogenic (0 of 4 stars; one submission).

Conditions:
Finnish congenital nephrotic syndrome (NPHS1). Also called: NEPHROTIC SYNDROME, TYPE 1. Identifiers: Orphanet 839, MedGen C0403399, MONDO:0009732, OMIM 256300.

Submission:

Juha Muilu Group; Institute for Molecular Medicine Finland (FIMM)
Classification: Likely pathogenic for Finnish congenital nephrotic syndrome. Review status: no assertion criteria provided. Collection method: not provided. Allele origin: unknown.
Comment: FinDis database variant: This variant was not found or characterized by our laboratory, data were collected from public sources: see reference
ClinVar note: Converted during submission from probable-pathogenic to Likely pathogenic.